The following is an entry in ClinVar:

NM_014727.3(KMT2B):c.4766_4768del (p.Asp1589del)

Gene: KMT2B (lysine methyltransferase 2B; plus strand). Cytogenetic location: 19q13.12.
Variant type: Deletion.
Coding change: c.4766_4768del on transcript NM_014727.3 (MANE Select); coding-DNA positions 4766 to 4768, 3 bases deleted (ATG; older notation c.4766_4768delATG).
Protein change: p.Asp1589del; deletes aspartic acid 1589.
Molecular consequence: inframe deletion.
Genome position (GRCh38, 1-based): chr19:35,729,063-35,729,065, ATG deleted; deleting any 3 consecutive bases within chr19:35,729,062-35,729,065 gives the same sequence; the c. name uses the placement nearest the transcript's 3' end. VCF-style (leftmost placement, unchanged base first): chr19-35729061-GGAT-G. GRCh37 (hg19) VCF-style: chr19-36219962-GGAT-G.
Other names: short protein forms D1589del.
Identifiers: ClinVar variation 623944 (VCV000623944.44), dbSNP rs1568377563, ClinGen allele CA913190406.

ClinVar aggregate classification (germline): Conflicting classifications of pathogenicity. Review status: criteria provided, conflicting classifications (1 of 4 stars). 2 submissions from 2 submitters: Likely pathogenic (1); Uncertain significance (1). Last evaluated 2023-02-23.

Conditions:
Dystonia 28, childhood-onset (DYT28). Also called: KMT2B-Related Dystonia (DYT-KMT2B). Identifiers: Orphanet 589618, MedGen C4310633, MONDO:0015004, OMIM 617284.

Submissions (2):

3billion
Classification: Uncertain significance for Dystonia 28, childhood-onset. Last evaluated: 2023-02-23. Review status: criteria provided, single submitter. Criteria: ACMG Guidelines, 2015. Collection method: clinical testing. Allele origin: unknown. Affected: yes.
Comment: The variant is not observed in the gnomAD v2.1.1 dataset. This variant was predicted to result in inframe deletion located in a non-repeat region and is predicted to change the length of the protein and disrupt normal protein function. Therefore, this variant is classified as VUS according to the recommendation of ACMG/AMP guideline.

CeGaT Center for Human Genetics Tuebingen
Classification: Likely pathogenic. Last evaluated: 2018-06-01. Review status: criteria provided, single submitter. Criteria: CeGaT Center For Human Genetics Tuebingen Variant Classification Criteria Version 2. Collection method: clinical testing. Allele origin: germline. Affected: yes. Observed: 2 variant alleles.